The following is an entry in ClinVar:

NM_004360.5(CDH1):c.1768G>A (p.Asp590Asn)

Gene: CDH1 (cadherin 1; plus strand). Cytogenetic location: 16q22.1.
Variant type: single nucleotide variant.
Coding change: c.1768G>A on transcript NM_004360.5 (MANE Select); coding-DNA position 1768, G replaced by A.
Protein change: p.Asp590Asn; replaces aspartic acid 590 with asparagine.
Molecular consequence: missense variant. On other transcripts: 5 prime UTR variant (1).
Genome position (GRCh38, 1-based): chr16:68,822,057, G>A. VCF-style: chr16-68822057-G-A. GRCh37 (hg19) VCF-style: chr16-68855960-G-A.
Other names: c.1585G>A, p.Asp529Asn (NM_001317184.2); c.220G>A, p.Asp74Asn (NM_001317185.2); c.-198G>A (NM_001317186.2); short protein forms D529N, D590N, D74N.
Identifiers: ClinVar variation 2453341 (VCV002453341.3), dbSNP rs2152138248, ClinGen allele CA396466564.
Genomic context (GRCh38, chr16:68,822,057, plus strand): 5'-TTAGGTTCTCCAGTTGCTACTGGAACAGGGACACTTCTGCTGATCCTGTCTGATGTGAAT[G>A]ACAACGCCCCCATACCAGAACCTCGAACTATATTCTTCTGTGAGAGGAATCCAAAGCCTC-3'
Protein context (NP_004351.1, residues 580-600): TLLLILSDVN[Asp590Asn]NAPIPEPRTI

ClinVar aggregate classification (germline): Uncertain significance. Review status: criteria provided, multiple submitters, no conflicts (2 of 4 stars). 2 submissions from 2 submitters: Uncertain significance (2). Last evaluated 2024-03-04.

Conditions:
Hereditary cancer-predisposing syndrome. Also called: Neoplastic Syndromes, Hereditary; Tumor predisposition; Hereditary neoplastic syndrome; Hereditary Cancer Syndrome. Identifiers: Orphanet 140162, MedGen C0027672, MeSH D009386, MONDO:0015356.

Submissions (2):

Color Diagnostics, LLC DBA Color Health
Classification: Uncertain significance for Hereditary cancer-predisposing syndrome. Last evaluated: 2024-03-04. Review status: criteria provided, single submitter. Criteria: ACMG Guidelines, 2015. Collection method: clinical testing. Allele origin: germline.
Comment: This missense variant replaces aspartic acid with asparagine at codon 590 of the CDH1 protein. To our knowledge, functional studies have not been reported for this variant. This variant has not been reported in individuals affected with CDH1-related disorders in the literature. This variant has not been identified in the general population by the Genome Aggregation Database (gnomAD). The available evidence is insufficient to determine the role of this variant in disease conclusively. Therefore, this variant is classified as a Variant of Uncertain Significance.

Ambry Genetics
Classification: Uncertain significance for Hereditary cancer-predisposing syndrome. Last evaluated: 2023-03-08. Review status: criteria provided, single submitter. Criteria: Ambry Variant Classification Scheme 2023. Collection method: clinical testing. Allele origin: germline.
Comment: The p.D590N variant (also known as c.1768G>A), located in coding exon 12 of the CDH1 gene, results from a G to A substitution at nucleotide position 1768. The aspartic acid at codon 590 is replaced by asparagine, an amino acid with highly similar properties. This amino acid position is conserved. In addition, the in silico prediction for this alteration is inconclusive. Since supporting evidence is limited at this time, the clinical significance of this alteration remains unclear.